The following is an entry in ClinVar:

NC_000009.12:g.35657707G>A

Gene: RMRP (RNA component of mitochondrial RNA processing endoribonuclease; minus strand). Cytogenetic location: 9p13.3.
Variant type: single nucleotide variant.
Genome position: GRCh38 VCF-style: chr9-35657707-G-A. GRCh37 (hg19) VCF-style: chr9-35657704-G-A.
Identifiers: ClinVar variation 2187718 (VCV002187718.1), dbSNP rs903310510, ClinGen allele CA587259152.

ClinVar aggregate classification (germline): Uncertain significance (1 of 4 stars; one submission).

Conditions:
Anauxetic dysplasia. Identifiers: Orphanet 93347, MedGen C1846796, MONDO:0011773.

Submission:

Labcorp Genetics (formerly Invitae), Labcorp
Classification: Uncertain significance for Anauxetic dysplasia. Last evaluated: 2022-05-15. Review status: criteria provided, single submitter. Criteria: Invitae Variant Classification Sherloc (09022015). Collection method: clinical testing. Allele origin: germline.
Comment: This variant occurs in a non-coding region of the RMRP gene. It does not change the encoded amino acid sequence of the RMRP protein. This variant is present in population databases (no rsID available, gnomAD 0.01%). This variant has not been reported in the literature in individuals affected with RMRP-related conditions. Experimental studies and prediction algorithms are not available or were not evaluated, and the functional significance of this variant is currently unknown. In summary, the available evidence is currently insufficient to determine the role of this variant in disease. Therefore, it has been classified as a Variant of Uncertain Significance.